The following is an entry in ClinVar:

NM_001009944.3(PKD1):c.2312T>G (p.Leu771Arg)

Gene: PKD1 (polycystin 1, transient receptor potential channel interacting; minus strand). Cytogenetic location: 16p13.3.
Variant type: single nucleotide variant.
Coding change: c.2312T>G on transcript NM_001009944.3 (MANE Select); coding-DNA position 2312, T replaced by G.
Protein change: p.Leu771Arg; replaces leucine 771 with arginine.
Molecular consequence: missense variant.
Genome position (GRCh38, 1-based): chr16:2,114,711, A>C on the plus strand (T>G on the coding strand, the complement: PKD1 is on the minus strand). VCF-style: chr16-2114711-A-C. GRCh37 (hg19) VCF-style: chr16-2164712-A-C.
Other names: c.2312T>G, p.Leu771Arg (NM_000296.4); short protein forms L771R.
Identifiers: ClinVar variation 3373109 (VCV003373109.2).

ClinVar aggregate classification (germline): Uncertain significance. Review status: criteria provided, multiple submitters, no conflicts (2 of 4 stars). 2 submissions from 2 submitters: Uncertain significance (2). Last evaluated 2025-09-16.

Submissions (2):

Women's Health and Genetics/Laboratory Corporation of America, LabCorp
Classification: Uncertain significance. Last evaluated: 2025-09-16. Review status: criteria provided, single submitter. Criteria: LabCorp Variant Classification Summary - May 2015. Collection method: clinical testing. Allele origin: germline.
Comment: Variant summary: PKD1 c.2312T>G (p.Leu771Arg) results in a non-conservative amino acid change in the encoded protein sequence. Algorithms developed to predict the effect of missense changes on protein structure and function are either unavailable or do not agree on the potential impact of this missense change. The variant was absent in 136406 control chromosomes. The available data on variant occurrences in the general population are insufficient to allow any conclusion about variant significance. To our knowledge, no occurrence of c.2312T>G in individuals affected with PKD1-related conditions and no experimental evidence demonstrating its impact on protein function have been reported. ClinVar contains an entry for this variant (Variation ID: 3373109). Based on the evidence outlined above, the variant was classified as uncertain significance.

GeneDx
Classification: Uncertain significance. Last evaluated: 2024-04-30. Review status: criteria provided, single submitter. Criteria: GeneDx Variant Classification Process June 2021. Collection method: clinical testing. Allele origin: germline. Affected: yes.
Comment: Not observed at significant frequency in large population cohorts (gnomAD); In silico analysis supports that this missense variant has a deleterious effect on protein structure/function; Has not been previously published as pathogenic or benign to our knowledge